The following is an entry in ClinVar:

NM_001386795.1(DTNA):c.1345T>C (p.Cys449Arg)

Gene: DTNA (dystrobrevin alpha; plus strand). Cytogenetic location: 18q12.1.
Variant type: single nucleotide variant.
Coding change: c.1345T>C on transcript NM_001386795.1 (MANE Select); coding-DNA position 1345, T replaced by C.
Protein change: p.Cys449Arg; replaces cysteine 449 with arginine.
Molecular consequence: missense variant. On other transcripts: intron variant (33).
Genome position (GRCh38, 1-based): chr18:34,838,836, T>C. VCF-style: chr18-34838836-T-C. GRCh37 (hg19) VCF-style: chr18-32418800-T-C.
Other names: c.391T>C, p.Cys131Arg (NM_001198942.1); c.1345T>C, p.Cys449Arg (NM_001386788.1); c.1264T>C, p.Cys422Arg (NM_001390.5, NM_001391.5); c.1255T>C, p.Cys419Arg (NM_032978.7); c.1095-9460T>C (NM_032975.4, NM_001386761.1, NM_001386762.1 and 1 more transcripts); c.1175+9347T>C (NM_001386754.1, NM_001386755.1, NM_001386760.1 and 5 more transcripts); c.1086-9460T>C (NM_001386763.1, NM_001386764.1, NM_001386768.1 and 13 more transcripts); c.604-12995T>C (NM_001198945.2); and 4 more; short protein forms C419R, C422R, C131R, C449R.
Identifiers: ClinVar variation 1493739 (VCV001493739.8), dbSNP rs377526715, ClinGen allele CA8935672.
Genomic context (GRCh38, chr18:34,838,836, plus strand): 5'-CTAGCTGATGAACATGTTCTCATCGGGTTGTATGTCAACATGCTCCGGAACAACCCCTCA[T>C]GGTTAGTGCAGGTTTGGCTGCTTGACTGTCCTTAGAGAGGGATACAGTCTGAGCTGGTGA-3'
Protein context (NP_001373724.1, residues 439-459): YVNMLRNNPS[Cys449Arg]MLESSNRLDE

ClinVar aggregate classification (germline): Uncertain significance (1 of 4 stars; one submission).

Conditions:
Left ventricular noncompaction 1 (LVNC1). Also called: LEFT VENTRICULAR NONCOMPACTION 1 WITH OR WITHOUT CONGENITAL HEART DEFECTS. Identifiers: Orphanet 54260, MedGen C1858725, MONDO:0011403, OMIM 604169.

Allele frequency attached by ClinVar (database versions not stated): gnomAD 0.00001 and 0.00002; TOPMed 0.00003; ESP Exome Variant Server 0.00008.
gnomAD v4.1: 32 of 1,613,212 alleles (0.002%); highest among the groups gnomAD compares: South Asian, 0.023%; no homozygotes.

Submission:

Labcorp Genetics (formerly Invitae), Labcorp
Classification: Uncertain significance for Left ventricular noncompaction 1. Last evaluated: 2022-08-21. Review status: criteria provided, single submitter. Criteria: Invitae Variant Classification Sherloc (09022015). Collection method: clinical testing. Allele origin: germline.
Comment: ClinVar contains an entry for this variant (Variation ID: 1493739). This sequence change replaces cysteine, which is neutral and slightly polar, with arginine, which is basic and polar, at codon 422 of the DTNA protein (p.Cys422Arg). This variant is present in population databases (rs377526715, gnomAD 0.02%). This variant has not been reported in the literature in individuals affected with DTNA-related conditions. Algorithms developed to predict the effect of missense changes on protein structure and function output the following: SIFT: "Tolerated"; PolyPhen-2: "Benign"; Align-GVGD: "Class C0". The arginine amino acid residue is found in multiple mammalian species, which suggests that this missense change does not adversely affect protein function. Algorithms developed to predict the effect of sequence changes on RNA splicing suggest that this variant may create or strengthen a splice site. In summary, the available evidence is currently insufficient to determine the role of this variant in disease. Therefore, it has been classified as a Variant of Uncertain Significance.